The following is an entry in ClinVar:

ClinVar aggregate classification (germline): Uncertain significance (1 of 4 stars; one submission).

Conditions:
CHARGE syndrome (CHARGE). Also called: Hittner Hirsch Kreh syndrome; CHARGE ASSOCIATION--COLOBOMA, HEART ANOMALY, CHOANAL ATRESIA, RETARDATION, GENITAL AND EAR ANOMALIES; Coloboma, heart anomaly, choanal atresia, retardation, genital and ear anomalies; CHARGE association; Hall-Hittner syndrome. Identifiers: Orphanet 138, MedGen C0265354, MONDO:0008965.

Allele frequency attached by ClinVar (database versions not stated): gnomAD exomes below 0.00001.
gnomAD v4.1: 1 of 1,613,456 alleles (0.000062%); highest among the groups gnomAD compares: Non-Finnish European, 0.000085%; no homozygotes.

Submission:

Labcorp Genetics (formerly Invitae), Labcorp
Classification: Uncertain significance for CHARGE syndrome. Last evaluated: 2024-10-16. Review status: criteria provided, single submitter. Criteria: Invitae Variant Classification Sherloc (09022015). Collection method: clinical testing. Allele origin: germline.
Comment: This sequence change replaces cysteine, which is neutral and slightly polar, with serine, which is neutral and polar, at codon 270 of the SEMA3E protein (p.Cys270Ser). This variant is present in population databases (no rsID available, gnomAD 0.002%). This variant has not been reported in the literature in individuals affected with SEMA3E-related conditions. ClinVar contains an entry for this variant (Variation ID: 2010297). Invitae Evidence Modeling of protein sequence and biophysical properties (such as structural, functional, and spatial information, amino acid conservation, physicochemical variation, residue mobility, and thermodynamic stability) indicates that this missense variant is expected to disrupt SEMA3E protein function with a positive predictive value of 80%. In summary, the available evidence is currently insufficient to determine the role of this variant in disease. Therefore, it has been classified as a Variant of Uncertain Significance.

NM_012431.3(SEMA3E):c.809G>C (p.Cys270Ser)

Gene: SEMA3E (semaphorin 3E; minus strand). Cytogenetic location: 7q21.11.
Variant type: single nucleotide variant.
Coding change: c.809G>C on transcript NM_012431.3 (MANE Select); coding-DNA position 809, G replaced by C.
Protein change: p.Cys270Ser; replaces cysteine 270 with serine.
Molecular consequence: missense variant.
Genome position (GRCh38, 1-based): chr7:83,407,101, C>G on the plus strand (G>C on the coding strand, the complement: SEMA3E is on the minus strand). VCF-style: chr7-83407101-C-G. GRCh37 (hg19) VCF-style: chr7-83036417-C-G.
Other names: c.629G>C, p.Cys210Ser (NM_001178129.2); short protein forms C210S, C270S.
Identifiers: ClinVar variation 2010297 (VCV002010297.4), dbSNP rs1258202820, ClinGen allele CA367930161.